The following is an entry in ClinVar:

Single allele

Genes: BTRC (beta-transducin repeat containing E3 ubiquitin protein ligase; plus strand), DPCD (deleted in primary ciliary dyskinesia homolog (mouse); plus strand), FBXW4 (F-box and WD repeat domain containing 4; minus strand), LBX1 (ladybird homeobox 1; minus strand), POLL (DNA polymerase lambda; minus strand) and 2 more. Cytogenetic location: 10q24.31-24.32.
Variant type: Duplication.
Identifiers: ClinVar variation 590885 (VCV000590885.3).

ClinVar aggregate classification (germline): Pathogenic (1 of 4 stars; one submission).

Conditions:
Ectrodactyly. Also called: Split-hand/foot malformation; Split hand-foot malformation. Identifiers: Orphanet 2440, MedGen C0265554, MONDO:0016576, HP:0100257.

Submission:

Genetics - Synnovis, NHS South East Genomic Laboratory Hub
Classification: Pathogenic for Split-Hand/Foot Malformation. Last evaluated: 2018-10-31. Review status: criteria provided, single submitter. Criteria: ACMG CNV Guidelines, 2011. Collection method: clinical testing. Allele origin: inherited. Inheritance: Autosomal dominant inheritance. Affected: yes. Observed: 1 heterozygote.
Comment: Duplications of this region are associated with split hand/foot malformation 3.